The following is an entry in ClinVar:

NM_002206.3(ITGA7):c.2631C>A (p.Tyr877Ter)

Gene: ITGA7 (integrin subunit alpha 7; minus strand). Cytogenetic location: 12q13.2.
Variant type: single nucleotide variant.
Coding change: c.2631C>A on transcript NM_002206.3 (MANE Select); coding-DNA position 2631, C replaced by A.
Protein change: p.Tyr877Ter; replaces tyrosine 877 with a stop codon.
Molecular consequence: nonsense.
Genome position (GRCh38, 1-based): chr12:55,693,222, G>T on the plus strand (C>A on the coding strand, the complement: ITGA7 is on the minus strand). VCF-style: chr12-55693222-G-T. GRCh37 (hg19) VCF-style: chr12-56087006-G-T.
Other names: c.2643C>A, p.Tyr881Ter (NM_001144996.2); c.2352C>A, p.Tyr784Ter (NM_001144997.2); c.2304C>A, p.Tyr768Ter (NM_001367993.1); c.1287C>A, p.Tyr429Ter (NM_001367994.1); c.2613C>A, p.Tyr871Ter (NM_001374465.1); c.2763C>A, p.Tyr921Ter (NM_001410977.1); c.2625C>A, p.Tyr875Ter (NM_001414029.1); c.2556C>A, p.Tyr852Ter (NM_001414030.1); and 5 more; short protein forms Y429*, Y764*, Y768*, Y784*, Y802*, Y816*, Y837*, Y848*.
Identifiers: ClinVar variation 4531253 (VCV004531253.1).
Genomic context (GRCh38, chr12:55,693,222, plus strand): 5'-GGGAGAGCAAAGCCCTTTCTGCCCAGGCCCCTGCCCGCCCTCCAGCTCAACCTGCATTGG[G>T]TACAGCAACCACTTCCCATTGGCAATCTCATGAGGCCACATGATGTTGAGGAAGGCAGAG-3'

ClinVar aggregate classification (germline): Likely pathogenic (1 of 4 stars; one submission).

Conditions:
Congenital muscular dystrophy due to integrin alpha-7 deficiency. Also called: Congenital muscular dystrophy with integrin alpha-7 deficiency; Muscular dystrophy, congenital, due to ITGA7 deficiency; MYOPATHY, CONGENITAL, DUE TO INTEGRIN ALPHA-7 DEFICIENCY. Identifiers: Orphanet 34520, MedGen C2750786, MONDO:0013177, OMIM 613204.

Submission:

Juno Genomics, Hangzhou Juno Genomics, Inc
Classification: Likely pathogenic for Congenital muscular dystrophy due to integrin alpha-7 deficiency. Review status: criteria provided, single submitter. Criteria: ACMG Guidelines, 2015. Collection method: clinical testing. Allele origin: germline. Affected: yes.
Comment: Absent from controls (or at extremely low frequency if recessive) in Genome Aggregation Database, Exome Sequencing Project, 1000 Genomes Project, or Exome Aggregation Consortium.;Null variant in a gene where loss of function (LOF) is a known mechanism of disease.